The following is an entry in ClinVar:

NM_001130144.3(LTBP3):c.3646G>T (p.Glu1216Ter)

Gene: LTBP3 (latent transforming growth factor beta binding protein 3; minus strand). Cytogenetic location: 11q13.1.
Variant type: single nucleotide variant.
Coding change: c.3646G>T on transcript NM_001130144.3 (MANE Select); coding-DNA position 3646, G replaced by T.
Protein change: p.Glu1216Ter; replaces glutamic acid 1216 with a stop codon.
Molecular consequence: nonsense.
Genome position (GRCh38, 1-based): chr11:65,539,442, C>A on the plus strand (G>T on the coding strand, the complement: LTBP3 is on the minus strand). VCF-style: chr11-65539442-C-A. GRCh37 (hg19) VCF-style: chr11-65306913-C-A.
Other names: c.3154G>T, p.Glu1052Ter (NM_001164266.1); c.3505G>T, p.Glu1169Ter (NM_021070.4); short protein forms E1052*, E1169*, E1216*.
Identifiers: ClinVar variation 3773667 (VCV003773667.2).

ClinVar aggregate classification (germline): Pathogenic (1 of 4 stars; one submission).

Conditions:
Geleophysic dysplasia 3. Identifiers: MedGen C4540511, MONDO:0054722, OMIM 617809.

Submission:

Institute of Human Genetics, University of Leipzig Medical Center
Classification: Pathogenic for Geleophysic dysplasia 3. Last evaluated: 2025-03-04. Review status: criteria provided, single submitter. Criteria: ACMG Guidelines, 2015. Collection method: clinical testing. Allele origin: unknown. Affected: yes.
Comment: Criteria applied: PVS1,PM2